The following is an entry in ClinVar:

NM_004327.4(BCR):c.2845G>A (p.Val949Ile)

Genes: BCR (BCR activator of RhoGEF and GTPase; plus strand), LOC107963955 (BCR-ABL major-breakpoint cluster region; plus strand). Cytogenetic location: 22q11.23.
Variant type: single nucleotide variant.
Coding change: c.2845G>A on transcript NM_004327.4 (MANE Select); coding-DNA position 2845, G replaced by A.
Protein change: p.Val949Ile; replaces valine 949 with isoleucine.
Molecular consequence: missense variant.
Genome position (GRCh38, 1-based): chr22:23,292,603, G>A. VCF-style: chr22-23292603-G-A. GRCh37 (hg19) VCF-style: chr22-23634790-G-A.
Other names: c.2845G>A, p.Val949Ile (NM_021574.3); short protein forms V949I.
Identifiers: ClinVar variation 218629 (VCV000218629.29), dbSNP rs2229038, ClinGen allele CA249392.
Genomic context (GRCh38, chr22:23,292,603, plus strand): 5'-CTGTACTGCACCCTGGAGGTGGATTCCTTTGGGTATTTTGTGAATAAAGCAAAGACGCGC[G>A]TCTACAGGGACACAGCTGAGCCAAACTGGAACGAGGTGAGGAACTGATTCCACAAGGGCC-3'
Protein context (NP_004318.3, residues 939-959): GYFVNKAKTR[Val949Ile]YRDTAEPNWN

ClinVar aggregate classification (germline): Benign/Likely benign. Review status: criteria provided, multiple submitters, no conflicts (2 of 4 stars). 4 submissions from 4 submitters: Benign (1); Likely benign (3). Last evaluated 2026-09-01.

Allele frequency attached by ClinVar (database versions not stated): 1000 Genomes Project 0.00260; 1000 Genomes Project 30x 0.00265; TOPMed 0.00377; gnomAD 0.00450 and 0.00451; gnomAD exomes 0.00470 and 0.00668; ExAC 0.00485; ESP Exome Variant Server 0.00523.
gnomAD v4.1: 10,402 of 1,613,350 alleles (0.64%); highest among the groups gnomAD compares: Non-Finnish European, 0.77%; 48 homozygotes.

Submissions (4):

CeGaT Center for Human Genetics Tuebingen
Classification: Likely benign. Last evaluated: 2026-09-01. Review status: criteria provided, single submitter. Criteria: CeGaT Center For Human Genetics Tuebingen Variant Classification Criteria Version 2. Collection method: clinical testing. Allele origin: germline. Affected: yes. Observed: 6 variant alleles.
Comment: BCR: BS2

Labcorp Genetics (formerly Invitae), Labcorp
Classification: Likely benign. Last evaluated: 2018-08-08. Review status: criteria provided, single submitter. Criteria: Invitae Variant Classification Sherloc (09022015). Collection method: clinical testing. Allele origin: germline.

Genomic Diagnostic Laboratory, Division of Genomic Diagnostics, Children's Hospital of Philadelphia
Classification: Benign. Last evaluated: 2015-06-18. Review status: criteria provided, single submitter. Criteria: DGD Variant Analysis Guidelines. Collection method: clinical testing. Allele origin: unknown.

Breakthrough Genomics
Classification: Likely benign. Review status: criteria provided, single submitter. Criteria: ACMG Guidelines, 2015. Collection method: not provided. Allele origin: germline. Inheritance: Unknown mechanism. Affected: yes.